The following is an entry in ClinVar:

NM_001048174.2(MUTYH):c.1380C>T (p.Thr460=)

Gene: MUTYH (mutY DNA glycosylase; minus strand). Cytogenetic location: 1p34.1.
Variant type: single nucleotide variant.
Coding change: c.1380C>T on transcript NM_001048174.2 (MANE Select); coding-DNA position 1380, C replaced by T.
Protein change: p.Thr460=; no amino-acid change (threonine 460 retained).
Molecular consequence: synonymous variant. On other transcripts: non-coding transcript variant (2).
Genome position (GRCh38, 1-based): chr1:45,331,194, G>A on the plus strand (C>T on the coding strand, the complement: MUTYH is on the minus strand). VCF-style: chr1-45331194-G-A. GRCh37 (hg19) VCF-style: chr1-45796866-G-A.
Other names: c.1380C>T, p.Thr460= (NM_001048171.2, NM_001048173.2, NM_001293195.2); c.1383C>T, p.Thr461= (NM_001048172.2); c.1464C>T, p.Thr488= (NM_001128425.2); c.1425C>T, p.Thr475= (NM_001293190.2); c.1413C>T, p.Thr471= (NM_001293191.2); c.1104C>T, p.Thr368= (NM_001293192.2, NM_001293196.2); c.1035C>T, p.Thr345= (NM_001350650.2, NM_001350651.2); c.1455C>T, p.Thr485= (NM_012222.3).
Identifiers: ClinVar variation 184281 (VCV000184281.27), dbSNP rs373973053, ClinGen allele CA012864.

ClinVar aggregate classification (germline): Likely benign. Review status: criteria provided, multiple submitters, no conflicts (2 of 4 stars). 11 submissions from 10 submitters: Likely benign (10). 1 of the submissions does not count toward it. Last evaluated 2026-01-27.

Conditions:
Hereditary cancer-predisposing syndrome. Also called: Neoplastic Syndromes, Hereditary; Tumor predisposition; Hereditary Cancer Syndrome; Hereditary neoplastic syndrome. Identifiers: Orphanet 140162, MedGen C0027672, MeSH D009386, MONDO:0015356.
Carcinoma of colon (CRC). Also called: Colonic carcinoma; Colon carcinoma. Identifiers: MedGen C0699790, MONDO:0002032.
Familial adenomatous polyposis 2. Also called: Adenomas, multiple colorectal; COLORECTAL ADENOMATOUS POLYPOSIS, AUTOSOMAL RECESSIVE; ADENOMAS, MULTIPLE COLORECTAL, AUTOSOMAL RECESSIVE; MYH-associated polyposis; MUTYH Polyposis; FAP type 2. Identifiers: Orphanet 220460, Orphanet 247798, MedGen C3272841, MONDO:0012041, OMIM 608456.

Allele frequency attached by ClinVar (database versions not stated): gnomAD 0.00001; ExAC 0.00002; TOPMed 0.00003.
gnomAD v4.1: 10 of 1,614,062 alleles (0.00062%); highest among the groups gnomAD compares: Admixed American, 0.0067%; no homozygotes.

Submissions (11):

Labcorp Genetics (formerly Invitae), Labcorp
Classification: Likely benign for Familial adenomatous polyposis 2. Last evaluated: 2026-01-27. Review status: criteria provided, single submitter. Criteria: Invitae Variant Classification Sherloc (09022015). Collection method: clinical testing. Allele origin: germline.

Quest Diagnostics Nichols Institute San Juan Capistrano
Classification: Likely benign. Last evaluated: 2025-04-07. Review status: criteria provided, single submitter. Criteria: Quest Diagnostics criteria. Collection method: clinical testing. Allele origin: unknown.

Center for Genomic Medicine, Rigshospitalet, Copenhagen University Hospital
Classification: Likely benign. Last evaluated: 2025-03-04. Review status: criteria provided, single submitter. Criteria: ACMG Guidelines, 2015. Collection method: clinical testing. Allele origin: germline.

All of Us Research Program, National Institutes of Health
Classification: Likely benign for Familial adenomatous polyposis 2. Last evaluated: 2023-11-30. Review status: criteria provided, single submitter. Criteria: ACMG Guidelines, 2015. Collection method: clinical testing. Allele origin: germline. Inheritance: Autosomal recessive inheritance. Observed: 2 variant alleles, 2 heterozygotes.
Comment: This study involves interpretation of variants in research participants for the purpose of population health screening. Participant phenotype was not available at the time of variant classification. Additional details can be found in publication PMID: 35346344, PMCID: PMC8962531

KCCC/NGS Laboratory, Kuwait Cancer Control Center
Classification: Likely benign for Familial adenomatous polyposis 2. Last evaluated: 2023-07-07. Review status: criteria provided, single submitter. Criteria: ACMG Guidelines, 2015. Collection method: clinical testing. Allele origin: germline. Affected: yes.

Women's Health and Genetics/Laboratory Corporation of America, LabCorp
Classification: Likely benign. Last evaluated: 2020-01-22. Review status: criteria provided, single submitter. Criteria: LabCorp Variant Classification Summary - May 2015. Collection method: clinical testing. Allele origin: germline.

GeneDx
Classification: Likely benign. Last evaluated: 2019-06-26. Review status: criteria provided, single submitter. Criteria: GeneDx Variant Classification Process June 2021. Collection method: clinical testing. Allele origin: germline. Affected: yes.

Department of Pathology and Laboratory Medicine, Sinai Health System
Classification: Likely benign for Familial adenomatous polyposis 2. Last evaluated: 2019-04-01. Review status: criteria provided, single submitter. Criteria: ACMG Guidelines, 2015. Collection method: research. Allele origin: germline.

Color Diagnostics, LLC DBA Color Health
Classification: Likely benign for Hereditary cancer-predisposing syndrome. Last evaluated: 2016-11-29. Review status: criteria provided, single submitter. Criteria: ACMG Guidelines, 2015. Collection method: clinical testing. Allele origin: germline.

Ambry Genetics
Classification: Likely benign for Hereditary cancer-predisposing syndrome. Last evaluated: 2015-06-03. Review status: criteria provided, single submitter. Criteria: Ambry Variant Classification Scheme 2023. Collection method: clinical testing. Allele origin: germline.

Department of Pathology and Laboratory Medicine, Sinai Health System
Classification: Likely benign for Carcinoma of colon. Review status: no assertion criteria provided. Collection method: clinical testing. Allele origin: unknown. Affected: yes. Observed: 1 variant allele. Study: The Canadian Open Genetics Repository (COGR). Not counted in ClinVar's aggregate classification.
Comment: The MUTYH p.Thr488= variant was not identified in the literature nor was it identified in the GeneInsight-COGR, Cosmic, or UMD-LSDB, databases. The variant was identified in dbSNP (ID: rs373973053) as "With Likely benign allele ", and in ClinVar database (classified as likely benign by Ambry Genetics, Invitae, GeneDx, and Color Genomics). The variant was identified in control databases in 5 of 246234 chromosomes at a frequency of 0.00002 (Genome Aggregation Database Feb 27, 2017). The variant was observed in the following populations: Latino in 3 of 33582 chromosomes (freq: 0.00009), European in 1 of 111694 chromosomes (freq: 0.000009), East Asian in 1 of 17248 chromosomes (freq: 0.00006), while the variant was not observed in the African, Other, Ashkenazi Jewish, Finnish, and South Asian populations. The p.Thr488= variant is not expected to have clinical significance because it does not result in a change of amino acid and is not located in a known consensus splice site. In addition, in silico or computational prediction software programs (SpliceSiteFinder, MaxEntScan, NNSPLICE, GeneSplicer, HumanSpliceFinder) do not predict a difference in splicing. In summary, based on the above information the clinical significance of this variant cannot be determined with certainty at this time although we would lean towards a more benign role for this variant. This variant is classified as likely benign.

Literature cited by the submitters: PubMed 30787465 (cited by Quest Diagnostics Nichols Institute San Juan Capistrano).